The following is an entry in ClinVar:

NM_024422.6(DSC2):c.1882A>G (p.Ile628Val)

Gene: DSC2 (desmocollin 2; minus strand). Cytogenetic location: 18q12.1.
Variant type: single nucleotide variant.
Coding change: c.1882A>G on transcript NM_024422.6 (MANE Select); coding-DNA position 1882, A replaced by G.
Protein change: p.Ile628Val; replaces isoleucine 628 with valine.
Molecular consequence: missense variant.
Genome position (GRCh38, 1-based): chr18:31,074,689, T>C on the plus strand (A>G on the coding strand, the complement: DSC2 is on the minus strand). VCF-style: chr18-31074689-T-C. GRCh37 (hg19) VCF-style: chr18-28654655-T-C.
Other names: c.1882A>G, p.Ile628Val (NM_004949.5); short protein forms I628V.
Identifiers: ClinVar variation 849955 (VCV000849955.7), dbSNP rs1986950360, ClinGen allele CA402113700.

ClinVar aggregate classification (germline): Uncertain significance (1 of 4 stars; one submission).

Conditions:
Arrhythmogenic right ventricular dysplasia 11. Also called: ARRHYTHMOGENIC RIGHT VENTRICULAR DYSPLASIA, FAMILIAL, 11; Arrhythmogenic Right Ventricular Dysplasia/Cardiomyopathy11; Arrhythmogenic right ventricular dysplasia 11 with mild palmoplantar keratoderma and woolly hair. Identifiers: MedGen C1864850, MONDO:0012506, OMIM 610476.

Submission:

Labcorp Genetics (formerly Invitae), Labcorp
Classification: Uncertain significance for Arrhythmogenic right ventricular dysplasia 11. Last evaluated: 2025-06-08. Review status: criteria provided, single submitter. Criteria: Invitae Variant Classification Sherloc (09022015). Collection method: clinical testing. Allele origin: germline.
Comment: This sequence change replaces isoleucine, which is neutral and non-polar, with valine, which is neutral and non-polar, at codon 628 of the DSC2 protein (p.Ile628Val). This variant is not present in population databases (gnomAD no frequency). This variant has not been reported in the literature in individuals affected with DSC2-related conditions. ClinVar contains an entry for this variant (Variation ID: 849955). Invitae Evidence Modeling of protein sequence and biophysical properties (such as structural, functional, and spatial information, amino acid conservation, physicochemical variation, residue mobility, and thermodynamic stability) indicates that this missense variant is not expected to disrupt DSC2 protein function with a negative predictive value of 80%. In summary, the available evidence is currently insufficient to determine the role of this variant in disease. Therefore, it has been classified as a Variant of Uncertain Significance.